The following is an entry in ClinVar:

NM_000321.3(RB1):c.1352G>A (p.Arg451His)

Gene: RB1 (RB transcriptional corepressor 1; plus strand). Cytogenetic location: 13q14.2.
Variant type: single nucleotide variant.
Coding change: c.1352G>A on transcript NM_000321.3 (MANE Select); coding-DNA position 1352, G replaced by A.
Protein change: p.Arg451His; replaces arginine 451 with histidine.
Molecular consequence: missense variant.
Genome position (GRCh38, 1-based): chr13:48,379,613, G>A. VCF-style: chr13-48379613-G-A. GRCh37 (hg19) VCF-style: chr13-48953749-G-A.
Other names: short protein forms R451H.
Identifiers: ClinVar variation 573575 (VCV000573575.16), dbSNP rs1312442837, ClinGen allele CA388162569.
Genomic context (GRCh38, chr13:48,379,613, plus strand): 5'-TAAAATAGCAGGCTCTTATTTTTCTTTTTGTTTGTTTGTAGCGATACAAACTTGGAGTTC[G>A]CTTGTATTACCGAGTAATGGAATCCATGCTTAAATCAGTAAGTTAAAAACAATATAAAAA-3'
Protein context (NP_000312.2, residues 441-461): IGSQRYKLGV[Arg451His]LYYRVMESML

ClinVar aggregate classification (germline): Uncertain significance. Review status: criteria provided, multiple submitters, no conflicts (2 of 4 stars). 5 submissions from 5 submitters: Uncertain significance (5). Last evaluated 2025-10-27.

Conditions:
Retinoblastoma (RB1). Also called: RETINOBLASTOMA, SOMATIC. Identifiers: Orphanet 790, MedGen C0035335, MeSH D012175, MONDO:0008380, OMIM 180200, HP:0009919. Disease mechanism: loss of function. Inheritance: Both sporadic and heritable forms are tested..
Hereditary cancer-predisposing syndrome. Also called: Hereditary neoplastic syndrome; Neoplastic Syndromes, Hereditary; Hereditary Cancer Syndrome; Tumor predisposition. Identifiers: Orphanet 140162, MedGen C0027672, MeSH D009386, MONDO:0015356.

Allele frequency attached by ClinVar (database versions not stated): gnomAD exomes below 0.00001 and 0.00001; TOPMed below 0.00001.
gnomAD v4.1: 8 of 1,612,154 alleles (0.0005%); highest among the groups gnomAD compares: South Asian, 0.0033%; no homozygotes.

Submissions (5):

Labcorp Genetics (formerly Invitae), Labcorp
Classification: Uncertain significance for Retinoblastoma. Last evaluated: 2025-10-27. Review status: criteria provided, single submitter. Criteria: Invitae Variant Classification Sherloc (09022015). Collection method: clinical testing. Allele origin: germline.
Comment: This sequence change replaces arginine, which is basic and polar, with histidine, which is basic and polar, at codon 451 of the RB1 protein (p.Arg451His). This variant is present in population databases (no rsID available, gnomAD 0.003%). This variant has not been reported in the literature in individuals affected with RB1-related conditions. ClinVar contains an entry for this variant (Variation ID: 573575). Invitae Evidence Modeling of protein sequence and biophysical properties (such as structural, functional, and spatial information, amino acid conservation, physicochemical variation, residue mobility, and thermodynamic stability) indicates that this missense variant is expected to disrupt RB1 protein function with a positive predictive value of 80%. Experimental studies have shown that this missense change affects RB1 function (PMID: 39938803). In summary, the available evidence is currently insufficient to determine the role of this variant in disease. Therefore, it has been classified as a Variant of Uncertain Significance.

Ambry Genetics
Classification: Uncertain significance for Hereditary cancer-predisposing syndrome. Last evaluated: 2024-11-11. Review status: criteria provided, single submitter. Criteria: Ambry Variant Classification Scheme 2023. Collection method: clinical testing. Allele origin: germline.
Comment: The p.R451H variant (also known as c.1352G>A), located in coding exon 14 of the RB1 gene, results from a G to A substitution at nucleotide position 1352. The arginine at codon 451 is replaced by histidine, an amino acid with highly similar properties. This amino acid position is highly conserved in available vertebrate species. In addition, the in silico prediction for this alteration is inconclusive. Since supporting evidence is limited at this time, the clinical significance of this alteration remains unclear.

All of Us Research Program, National Institutes of Health
Classification: Uncertain significance for Retinoblastoma. Last evaluated: 2023-11-02. Review status: criteria provided, single submitter. Criteria: ACMG Guidelines, 2015. Collection method: clinical testing. Allele origin: germline. Inheritance: Autosomal dominant inheritance. Observed: 1 variant allele, 1 heterozygote.
Comment: This missense variant replaces arginine with histidine at codon 451 of the RB1 protein. Computational prediction is inconclusive regarding the impact of this variant on protein structure and function (internally defined REVEL score threshold 0.5 < inconclusive < 0.7, PMID: 27666373). To our knowledge, functional studies have not been reported for this variant. This variant has not been reported in individuals affected with RB1-related disorders in the literature. This variant has been identified in 1/249974 chromosomes in the general population by the Genome Aggregation Database (gnomAD). The available evidence is insufficient to determine the role of this variant in disease conclusively. Therefore, this variant is classified as a Variant of Uncertain Significance.

This study involves interpretation of variants in research participants for the purpose of population health screening. Participant phenotype was not available at the time of variant classification. Additional details can be found in publication PMID: 35346344, PMCID: PMC8962531

Color Diagnostics, LLC DBA Color Health
Classification: Uncertain significance for Retinoblastoma. Last evaluated: 2023-10-11. Review status: criteria provided, single submitter. Criteria: ACMG Guidelines, 2015. Collection method: clinical testing. Allele origin: germline.
Comment: This missense variant replaces arginine with histidine at codon 451 of the RB1 protein. Computational prediction is inconclusive regarding the impact of this variant on protein structure and function. To our knowledge, functional studies have not been reported for this variant. This variant has not been reported in individuals affected with RB1-related disorders in the literature. This variant has been identified in 1/249974 chromosomes in the general population by the Genome Aggregation Database (gnomAD). The available evidence is insufficient to determine the role of this variant in disease conclusively. Therefore, this variant is classified as a Variant of Uncertain Significance.

Blueprint Genetics
Classification: Uncertain significance. Last evaluated: 2023-01-26. Review status: criteria provided, single submitter. Criteria: ACMG Guidelines, 2015. Collection method: clinical testing. Allele origin: germline.

Literature cited by the submitters: PubMed 39938803 (cited by Labcorp Genetics (formerly Invitae), Labcorp).